The following is an entry in ClinVar:

NM_031220.4(PITPNM3):c.2629G>C (p.Glu877Gln)

Gene: PITPNM3 (PITPNM family member 3; minus strand). Cytogenetic location: 17p13.2.
Variant type: single nucleotide variant.
Coding change: c.2629G>C on transcript NM_031220.4 (MANE Select); coding-DNA position 2629, G replaced by C.
Protein change: p.Glu877Gln; replaces glutamic acid 877 with glutamine.
Molecular consequence: missense variant.
Genome position (GRCh38, 1-based): chr17:6,455,634, C>G on the plus strand (G>C on the coding strand, the complement: PITPNM3 is on the minus strand). VCF-style: chr17-6455634-C-G. GRCh37 (hg19) VCF-style: chr17-6358954-C-G.
Other names: c.2521G>C, p.Glu841Gln (NM_001165966.2); short protein forms E841Q, E877Q.
Identifiers: ClinVar variation 3343856 (VCV003343856.1).

ClinVar aggregate classification (germline): Uncertain significance (1 of 4 stars; one submission).

gnomAD v4.1: 2 of 1,474,472 alleles (0.00014%); highest among the groups gnomAD compares: African/African-American, 0.0043%; no homozygotes.

Submission:

GeneDx
Classification: Uncertain significance. Last evaluated: 2024-02-27. Review status: criteria provided, single submitter. Criteria: GeneDx Variant Classification Process June 2021. Collection method: clinical testing. Allele origin: germline. Affected: yes.
Comment: Not observed at significant frequency in large population cohorts (gnomAD); In silico analysis supports that this missense variant does not alter protein structure/function; Has not been previously published as pathogenic or benign to our knowledge